The following is an entry in ClinVar:

ClinVar aggregate classification (germline): Likely pathogenic (1 of 4 stars; one submission).

Conditions:
Ataxia-telangiectasia-like disorder (ATLD). Identifiers: MedGen C1858391, MONDO:0011457.

Submission:

Labcorp Genetics (formerly Invitae), Labcorp
Classification: Likely pathogenic for Ataxia-telangiectasia-like disorder. Last evaluated: 2020-07-20. Review status: criteria provided, single submitter. Criteria: Invitae Variant Classification Sherloc (09022015). Collection method: clinical testing. Allele origin: germline.
Comment: In summary, the currently available evidence indicates that the variant is pathogenic, but additional data are needed to prove that conclusively. Therefore, this variant has been classified as Likely Pathogenic. Donor and acceptor splice site variants typically lead to a loss of protein function (PMID: 16199547), and loss-of-function variants in MRE11 are known to be pathogenic (PMID: 23080121, 23912341). Algorithms developed to predict the effect of sequence changes on RNA splicing suggest that this variant may disrupt the consensus splice site, but this prediction has not been confirmed by published transcriptional studies. This variant has not been reported in the literature in individuals with MRE11-related conditions. This variant is not present in population databases (ExAC no frequency). This sequence change affects a donor splice site in intron 13 of the MRE11 gene. It is expected to disrupt RNA splicing and likely results in an absent or disrupted protein product.

Literature cited by the submitters: PubMed 16199547; PubMed 23080121; PubMed 23912341.

NM_005591.4(MRE11):c.1500+2del

Gene: MRE11 (MRE11 double strand break repair nuclease; minus strand). Cytogenetic location: 11q21.
Variant type: Deletion.
Coding change: c.1500+2del on transcript NM_005591.4 (MANE Select); the canonical splice donor site of the intron after coding-DNA position 1500, one base deleted (T; older notation c.1500+2delT).
Molecular consequence: splice donor variant.
Genome position (GRCh38, 1-based): chr11:94,459,406, A deleted on the plus strand (T on the coding strand, the reverse complement: MRE11 is on the minus strand). VCF-style (leftmost placement, unchanged base first): chr11-94459405-TA-T. GRCh37 (hg19) VCF-style: chr11-94192571-TA-T.
Other names: c.1500+2del (NM_001330347.2, NM_005590.4).
Identifiers: ClinVar variation 1068113 (VCV001068113.7), dbSNP rs2134989336, ClinGen allele CA2499221367.